The following is an entry in ClinVar:

ClinVar aggregate classification (germline): Pathogenic (1 of 4 stars; one submission).

Conditions:
Familial cancer of breast. Also called: Hereditary breast cancer; hereditary breast carcinoma; BREAST CANCER, FAMILIAL. Identifiers: Orphanet 227535, MedGen C0346153, MONDO:0016419, OMIM 114480. Disease mechanism: loss of function.

Submission:

Labcorp Genetics (formerly Invitae), Labcorp
Classification: Pathogenic for Familial cancer of breast. Last evaluated: 2025-11-06. Review status: criteria provided, single submitter. Criteria: Invitae Variant Classification Sherloc (09022015). Collection method: clinical testing. Allele origin: germline.
Comment: This sequence change inserts a large fragment of DNA, likely a transposable element, in exon 5 of the PALB2 gene (c.2098_2099ins?), causing a frameshift at codon 700 (p.Ser700fs). The exact size and sequence of the insertion cannot be determined by the current assay. However, the insertion is expected to result in an absent or disrupted protein product. This variant is not present in population databases (gnomAD no frequency). This variant has not been reported in the literature in individuals affected with PALB2-related conditions. Retrotransposon insertions including LINE1 (L1), Alu, and SVA (SINE-VNTR-Alu) have been reported to be disease-causing through disruption of either a coding region or splice site (PMID: 19763152, 20307669, 22406018) and loss-of-function variants in PALB2 are known to be pathogenic (PMID: 17200668, 17200671, 17200672, 24136930, 25099575). For these reasons, this variant has been classified as Pathogenic.

Literature cited by the submitters: PubMed 19763152; PubMed 20307669; PubMed 22406018; PubMed 17200668; PubMed 17200671; PubMed 17200672; PubMed 24136930; PubMed 25099575.

NC_000016.9:g.23641376_23641377insAlu

Gene: PALB2 (partner and localizer of BRCA2; minus strand). Cytogenetic location: 16p12.2.
Variant type: Insertion.
Identifiers: ClinVar variation 1071186 (VCV001071186.9).